The following is an entry in ClinVar:

ClinVar aggregate classification (germline): Conflicting classifications of pathogenicity. Review status: criteria provided, conflicting classifications (1 of 4 stars). 2 submissions from 2 submitters: Uncertain significance (1); Likely benign (1). Last evaluated 2024-09-20.

Conditions:
Methylmalonic aciduria, cblA type (MACA). Also called: Vitamin B12-responsive methylmalonic acidemia type cblA; Methylmalonic aciduria, vitamin b12-responsive, due to defect in synthesis of adenosylcobalamin, cbla complementation type; MMA cbl A type; Methylmalonic acidemia cblA type; Methylmalonic aciduria, vitamin B12-responsive. Identifiers: Orphanet 28, Orphanet 79310, MedGen C1855109, MONDO:0009613, OMIM 251100.

Allele frequency attached by ClinVar (database versions not stated): gnomAD exomes 0.00017; gnomAD 0.00170 and 0.00178; TOPMed 0.00187; 1000 Genomes Project 0.00240; 1000 Genomes Project 30x 0.00265.
gnomAD v4.1: 449 of 1,162,628 alleles (0.039%); highest among the groups gnomAD compares: African/African-American, 0.58%; no homozygotes.

Submissions (2):

3billion
Classification: Likely benign for Methylmalonic aciduria, cblA type. Last evaluated: 2024-09-20. Review status: criteria provided, single submitter. Criteria: ACMG Guidelines, 2015. Collection method: clinical testing. Allele origin: germline. Affected: no.
Comment: The homozygous variant was found in patients diagnosed with another variant in a different gene, with no symptoms related to the gene containing the homozygous variant.

Illumina Laboratory Services, Illumina
Classification: Uncertain significance for Methylmalonic aciduria, cblA type. Last evaluated: 2018-01-13. Review status: criteria provided, single submitter. Criteria: ICSL Variant Classification Criteria 13 December 2019. Collection method: clinical testing. Allele origin: germline.

NM_172250.3(MMAA):c.*97G>C

Gene: MMAA (metabolism of cobalamin associated A; plus strand). Cytogenetic location: 4q31.21.
Variant type: single nucleotide variant.
Coding change: c.*97G>C on transcript NM_172250.3 (MANE Select); 97 bases downstream of the stop codon, G replaced by C.
Molecular consequence: 3 prime UTR variant.
Genome position (GRCh38, 1-based): chr4:145,655,531, G>C. VCF-style: chr4-145655531-G-C. GRCh37 (hg19) VCF-style: chr4-146576683-G-C.
Other names: c.*97G>C (NM_001375644.1).
Identifiers: ClinVar variation 900439 (VCV000900439.5), dbSNP rs148424051, ClinGen allele CA107683547.